The following is an entry in ClinVar:

NM_002087.4(GRN):c.180dup (p.Cys61fs)

Gene: GRN (granulin precursor; plus strand). Cytogenetic location: 17q21.31.
Variant type: Duplication.
Coding change: c.180dup on transcript NM_002087.4 (MANE Select); coding-DNA position 180, one base duplicated (C; older notation c.180dupC).
Protein change: p.Cys61fs; shifts the reading frame from cysteine 61.
Molecular consequence: frameshift variant.
Genome position (GRCh38, 1-based): chr17:44,349,467, C duplicated; the last of 4 consecutive C bases (chr17:44,349,464-44,349,467); duplicating any one gives the same sequence. VCF-style (leftmost placement, unchanged base first): chr17-44349463-G-GC. GRCh37 (hg19) VCF-style: chr17-42426831-G-GC.
Other names: short protein forms C61fs.
Identifiers: ClinVar variation 1994860 (VCV001994860.4), dbSNP rs2510054484, ClinGen allele CA2580093872.

ClinVar aggregate classification (germline): Pathogenic (1 of 4 stars; one submission).

Conditions:
GRN-related frontotemporal lobar degeneration with Tdp43 inclusions (FTD2). Also called: DEMENTIA, HEREDITARY DYSPHASIC DISINHIBITION; FRONTOTEMPORAL LOBAR DEGENERATION WITH UBIQUITIN-POSITIVE INCLUSIONS; FTLD-TDP, GRN-RELATED; GRN Frontotemporal Dementia; FRONTOTEMPORAL DEMENTIA WITH TDP43 INCLUSIONS, GRN-RELATED. Identifiers: Orphanet 100070, Orphanet 282, MedGen C1843792, MONDO:0011842, OMIM 607485. Disease mechanism: loss of function.
Neuronal ceroid lipofuscinosis 11. Also called: GRN-Related Neuronal Ceroid-Lipofuscinosis. Identifiers: Orphanet 314629, Orphanet 79262, MedGen C3539123, MONDO:0013866, OMIM 614706.

Submission:

Labcorp Genetics (formerly Invitae), Labcorp
Classification: Pathogenic for Neuronal ceroid lipofuscinosis 11; GRN-related frontotemporal lobar degeneration with Tdp43 inclusions. Last evaluated: 2022-05-15. Review status: criteria provided, single submitter. Criteria: Invitae Variant Classification Sherloc (09022015). Collection method: clinical testing. Allele origin: germline.
Comment: This sequence change creates a premature translational stop signal (p.Cys61Leufs*4) in the GRN gene. It is expected to result in an absent or disrupted protein product. Loss-of-function variants in GRN are known to be pathogenic (PMID: 16862116, 16950801, 22608501). This variant is not present in population databases (gnomAD no frequency). This variant has not been reported in the literature in individuals affected with GRN-related conditions. For these reasons, this variant has been classified as Pathogenic.

Literature cited by the submitters: PubMed 16862116; PubMed 16950801; PubMed 22608501.